The following is an entry in ClinVar:

ClinVar aggregate classification (germline): Uncertain significance (1 of 4 stars; one submission).

Submission:

GeneDx
Classification: Uncertain significance. Last evaluated: 2026-03-15. Review status: criteria provided, single submitter. Criteria: GeneDx Variant Classification Process June 2021. Collection method: clinical testing. Allele origin: germline.
Comment: In-frame duplication of 1 amino acid(s) in a non-repeat region; Has not been previously published as pathogenic or benign to our knowledge

NM_001378328.1(CELSR1):c.8807CGC[4] (p.Pro2938_Leu2939insPro)

Gene: CELSR1 (cadherin EGF LAG seven-pass G-type receptor 1; minus strand). Cytogenetic location: 22q13.31.
Variant type: Microsatellite.
Coding change: c.8807CGC[4] on transcript NM_001378328.1 (MANE Select); four copies in a row of the 3-base unit CGC starting at c.8807; the reference has three copies in a row; one copy, 3 bases duplicated.
Protein change: p.Pro2938_Leu2939insPro.
Molecular consequence: inframe insertion.
Genome position (GRCh38, 1-based): chr22:46,364,216-46,364,218, GCG duplicated on the plus strand (CGC on the coding strand, the reverse complement: CELSR1 is on the minus strand); duplicating any 3 consecutive bases within chr22:46,364,216-46,364,225 gives the same sequence; the position shown is the placement nearest the transcript's 3' end. VCF-style (leftmost placement, unchanged base first): chr22-46364215-A-AGCG. GRCh37 (hg19) VCF-style: chr22-46760112-A-AGCG.
Other names: c.8807CGC[4], p.Pro2938_Leu2939insPro (NM_014246.4).
Identifiers: ClinVar variation 5009260 (VCV005009260.1).